The following is an entry in ClinVar:

NM_006294.5(UQCRB):c.330dup (p.Lys111fs)

Gene: UQCRB (ubiquinol-cytochrome c reductase binding protein; minus strand). Cytogenetic location: 8q22.1.
Variant type: Duplication.
Coding change: c.330dup on transcript NM_006294.5 (MANE Select); coding-DNA position 330, one base duplicated (G; older notation c.330dupG).
Protein change: p.Lys111fs; shifts the reading frame from lysine 111.
Molecular consequence: frameshift variant. On other transcripts: 3 prime UTR variant (1), non-coding transcript variant (1).
Genome position (GRCh38, 1-based): chr8:96,231,061, C duplicated on the plus strand (G on the coding strand, the reverse complement: UQCRB is on the minus strand). VCF-style (leftmost placement, unchanged base first): chr8-96231060-T-TC. GRCh37 (hg19) VCF-style: chr8-97243288-T-TC.
Other names: c.234dup, p.Lys79fs (NM_001199975.3); c.*44dup (NM_001254752.2); short protein forms K111fs, K79fs.
Identifiers: ClinVar variation 3647277 (VCV003647277.2).

ClinVar aggregate classification (germline): Uncertain significance (1 of 4 stars; one submission).

Submission:

Labcorp Genetics (formerly Invitae), Labcorp
Classification: Uncertain significance. Last evaluated: 2025-07-10. Review status: criteria provided, single submitter. Criteria: Invitae Variant Classification Sherloc (09022015). Collection method: clinical testing. Allele origin: germline.
Comment: This sequence change is expected to alter the c-terminus of the UQCRB protein (p.Lys111Glufs*5). While this is not anticipated to result in nonsense mediated decay, it is expected to disrupt the last 1 amino acid(s) of the UQCRB protein and extend the protein by 3 additional amino acid residues. This variant is not present in population databases (gnomAD no frequency). This variant has not been reported in the literature in individuals affected with UQCRB-related conditions. ClinVar contains an entry for this variant (Variation ID: 3647277). Experimental studies and prediction algorithms are not available or were not evaluated, and the functional significance of this variant is currently unknown. In summary, the available evidence is currently insufficient to determine the role of this variant in disease. Therefore, it has been classified as a Variant of Uncertain Significance.